The following is an entry in ClinVar:

NM_015272.5(RPGRIP1L):c.752G>A (p.Arg251Gln)

Gene: RPGRIP1L (RPGRIP1 like; minus strand). Cytogenetic location: 16q12.2.
Variant type: single nucleotide variant.
Coding change: c.752G>A on transcript NM_015272.5 (MANE Select); coding-DNA position 752, G replaced by A.
Protein change: p.Arg251Gln; replaces arginine 251 with glutamine.
Molecular consequence: missense variant.
Genome position (GRCh38, 1-based): chr16:53,686,457, C>T on the plus strand (G>A on the coding strand, the complement: RPGRIP1L is on the minus strand). VCF-style: chr16-53686457-C-T. GRCh37 (hg19) VCF-style: chr16-53720369-C-T.
Other names: c.752G>A, p.Arg251Gln (NM_001127897.4, NM_001308334.3, NM_001330538.2); c.752G>A (NM_015272.4); short protein forms R251Q.
Identifiers: ClinVar variation 1722923 (VCV001722923.7), dbSNP rs767314963, ClinGen allele CA8058037.

ClinVar aggregate classification (germline): Uncertain significance. Review status: criteria provided, multiple submitters, no conflicts (2 of 4 stars). 5 submissions from 5 submitters: Uncertain significance (5). Last evaluated 2026-04-27.

Conditions:
Joubert syndrome 7 (JBTS7). Identifiers: Orphanet 220497, MedGen C1969053, MONDO:0012694, OMIM 611560.
Meckel syndrome, type 5 (MKS5). Identifiers: Orphanet 564, MedGen C1969052, MONDO:0012695, OMIM 611561.
COACH syndrome 3. Identifiers: MedGen C5436841, MONDO:0030862, OMIM 619113.
Inborn genetic diseases. Identifiers: MedGen C0950123, MeSH D030342.
RPGRIP1L-related disorder. Also called: RPGRIP1L-related condition; RPGRIP1L-related disorders. Identifiers: MedGen CN239416.

Allele frequency attached by ClinVar (database versions not stated): ExAC 0.00002; TOPMed 0.00005.
gnomAD v4.1: 39 of 1,613,262 alleles (0.0024%); highest among the groups gnomAD compares: East Asian, 0.011%; no homozygotes.

Submissions (5):

PreventionGenetics, part of Exact Sciences
Classification: Uncertain significance for RPGRIP1L-related condition. Last evaluated: 2026-04-27. Review status: criteria provided, single submitter. Criteria: ACMG Guidelines, 2015. Collection method: clinical testing. Allele origin: germline.
Comment: The RPGRIP1L c.752G>A variant is predicted to result in the amino acid substitution p.Arg251Gln. To our knowledge, this variant has not been reported in the literature. This variant is reported in 0.020% of alleles in individuals of East Asian descent in gnomAD. At this time, the clinical significance of this variant is uncertain due to the absence of conclusive functional and genetic evidence.

Ambry Genetics
Classification: Uncertain significance for Inborn genetic diseases. Last evaluated: 2024-12-20. Review status: criteria provided, single submitter. Criteria: Ambry Variant Classification Scheme 2023. Collection method: clinical testing. Allele origin: germline.

Blueprint Genetics
Classification: Uncertain significance. Last evaluated: 2024-09-05. Review status: criteria provided, single submitter. Criteria: ACMG Guidelines, 2015. Collection method: clinical testing. Allele origin: germline.

Fulgent Genetics
Classification: Uncertain significance for Joubert syndrome 7; Meckel syndrome, type 5; COACH syndrome 3. Last evaluated: 2024-05-07. Review status: criteria provided, single submitter. Criteria: ACMG Guidelines, 2015. Collection method: clinical testing. Allele origin: germline.

GeneDx
Classification: Uncertain significance. Last evaluated: 2022-11-01. Review status: criteria provided, single submitter. Criteria: GeneDx Variant Classification Process June 2021. Collection method: clinical testing. Allele origin: germline. Affected: yes.
Comment: In silico analysis, which includes protein predictors and evolutionary conservation, supports that this variant does not alter protein structure/function; Has not been previously published as pathogenic or benign to our knowledge